The following is an entry in ClinVar:

ClinVar aggregate classification (germline): Uncertain significance (1 of 4 stars; one submission).

Allele frequency attached by ClinVar (database versions not stated): gnomAD exomes below 0.00001; ExAC 0.00001.
gnomAD v4.1: 1 of 1,614,150 alleles (0.000062%); highest among the groups gnomAD compares: African/African-American, 0.0013%; no homozygotes.

Submission:

Labcorp Genetics (formerly Invitae), Labcorp
Classification: Uncertain significance. Last evaluated: 2024-01-08. Review status: criteria provided, single submitter. Criteria: Invitae Variant Classification Sherloc (09022015). Collection method: clinical testing. Allele origin: germline.
Comment: This sequence change replaces proline, which is neutral and non-polar, with alanine, which is neutral and non-polar, at codon 46 of the NDUFA11 protein (p.Pro46Ala). This variant is present in population databases (rs763543013, gnomAD 0.007%). This variant has not been reported in the literature in individuals affected with NDUFA11-related conditions. ClinVar contains an entry for this variant (Variation ID: 1524541). Algorithms developed to predict the effect of missense changes on protein structure and function output the following: SIFT: "Not Available"; PolyPhen-2: "Benign"; Align-GVGD: "Not Available". The alanine amino acid residue is found in multiple mammalian species, which suggests that this missense change does not adversely affect protein function. In summary, the available evidence is currently insufficient to determine the role of this variant in disease. Therefore, it has been classified as a Variant of Uncertain Significance.

NM_175614.5(NDUFA11):c.136C>G (p.Pro46Ala)

Gene: NDUFA11 (NADH:ubiquinone oxidoreductase subunit A11; minus strand). Cytogenetic location: 19p13.3.
Variant type: single nucleotide variant.
Coding change: c.136C>G on transcript NM_175614.5 (MANE Select); coding-DNA position 136, C replaced by G.
Protein change: p.Pro46Ala; replaces proline 46 with alanine.
Molecular consequence: missense variant. On other transcripts: non-coding transcript variant (1).
Genome position (GRCh38, 1-based): chr19:5,896,959, G>C on the plus strand (C>G on the coding strand, the complement: NDUFA11 is on the minus strand). VCF-style: chr19-5896959-G-C. GRCh37 (hg19) VCF-style: chr19-5896970-G-C.
Other names: c.136C>G, p.Pro46Ala (NM_001193375.3); short protein forms P46A.
Identifiers: ClinVar variation 1524541 (VCV001524541.8), dbSNP rs763543013, ClinGen allele CA9119013.